The following is an entry in ClinVar:

ClinVar aggregate classification (germline): Uncertain significance (1 of 4 stars; one submission).

Conditions:
Cardiovascular phenotype. Identifiers: MedGen CN230736.

Allele frequency attached by ClinVar (database versions not stated): gnomAD exomes below 0.00001; TOPMed below 0.00001.
gnomAD v4.1: 2 of 1,614,204 alleles (0.00012%); highest among the groups gnomAD compares: Non-Finnish European, 0.00017%; no homozygotes.

Submission:

Ambry Genetics
Classification: Uncertain significance for Cardiovascular phenotype. Last evaluated: 2025-02-13. Review status: criteria provided, single submitter. Criteria: Ambry Variant Classification Scheme 2023. Collection method: clinical testing. Allele origin: germline.
Comment: The p.S1865T variant (also known as c.5594G>C), located in coding exon 26 of the APOB gene, results from a G to C substitution at nucleotide position 5594. The serine at codon 1865 is replaced by threonine, an amino acid with similar properties. This amino acid position is conserved. In addition, this alteration is predicted to be tolerated by in silico analysis. Based on the available evidence, the clinical significance of this variant remains unclear.

NM_000384.3(APOB):c.5594G>C (p.Ser1865Thr)

Gene: APOB (apolipoprotein B; minus strand). Cytogenetic location: 2p24.1.
Variant type: single nucleotide variant.
Coding change: c.5594G>C on transcript NM_000384.3 (MANE Select); coding-DNA position 5594, G replaced by C.
Protein change: p.Ser1865Thr; replaces serine 1865 with threonine.
Molecular consequence: missense variant.
Genome position (GRCh38, 1-based): chr2:21,011,274, C>G on the plus strand (G>C on the coding strand, the complement: APOB is on the minus strand). VCF-style: chr2-21011274-C-G. GRCh37 (hg19) VCF-style: chr2-21234146-C-G.
Other names: short protein forms S1865T.
Identifiers: ClinVar variation 3885286 (VCV003885286.1), dbSNP rs1451325201.